The following is an entry in ClinVar:

NM_001267550.2(TTN):c.106358G>A (p.Trp35453Ter)

Genes: TTN-AS1 (TTN antisense RNA 1; plus strand), TTN (titin; minus strand). Cytogenetic location: 2q31.2.
Variant type: single nucleotide variant.
Coding change: c.106358G>A on transcript NM_001267550.2 (MANE Select); coding-DNA position 106358, G replaced by A.
Protein change: p.Trp35453Ter; replaces tryptophan 35453 with a stop codon.
Molecular consequence: nonsense.
Genome position (GRCh38, 1-based): chr2:178,530,257, C>T on the plus strand (G>A on the coding strand, the complement: TTN is on the minus strand). VCF-style: chr2-178530257-C-T. GRCh37 (hg19) VCF-style: chr2-179394984-C-T.
Other names: c.101435G>A, p.Trp33812Ter (NM_001256850.1); c.79163G>A, p.Trp26388Ter (NM_003319.4); c.98654G>A, p.Trp32885Ter (NM_133378.4); c.79538G>A, p.Trp26513Ter (NM_133432.3); c.79739G>A, p.Trp26580Ter (NM_133437.4); short protein forms W26388*, W26513*, W33812*, W32885*, W35453*, W26580*.
Identifiers: ClinVar variation 952750 (VCV000952750.10), dbSNP rs922408768, ClinGen allele CA60953232.

ClinVar aggregate classification (germline): Pathogenic (1 of 4 stars; one submission).

Conditions:
Dilated cardiomyopathy 1G (CMD1G). Identifiers: Orphanet 154, MedGen C1858763, MONDO:0011400, OMIM 604145.
Autosomal recessive limb-girdle muscular dystrophy type 2J (LGMDR10). Also called: Limb-girdle muscular dystrophy, type 2J; MUSCULAR DYSTROPHY, LIMB-GIRDLE, AUTOSOMAL RECESSIVE 10. Identifiers: Orphanet 140922, MedGen C1837342, MONDO:0012127, OMIM 608807.

Submission:

Labcorp Genetics (formerly Invitae), Labcorp
Classification: Pathogenic for Dilated cardiomyopathy 1G; Autosomal recessive limb-girdle muscular dystrophy type 2J. Last evaluated: 2022-06-04. Review status: criteria provided, single submitter. Criteria: Invitae Variant Classification Sherloc (09022015). Collection method: clinical testing. Allele origin: germline.
Comment: For these reasons, this variant has been classified as Pathogenic. This sequence change creates a premature translational stop signal (p.Trp35453*) in the TTN gene. While this is not anticipated to result in nonsense mediated decay, it is expected to create a truncated TTN protein. This variant is not present in population databases (gnomAD no frequency). This premature translational stop signal has been observed in individuals with clinical features of autosomal recessive TTN-related conditions (PMID: 33449170; Invitae). ClinVar contains an entry for this variant (Variation ID: 952750). Algorithms developed to predict the effect of sequence changes on RNA splicing suggest that this variant may create or strengthen a splice site. This variant is located in the M band of TTN (PMID: 25589632). Truncating variants in this region have been previously reported in individuals affected with autosomal recessive myopathy and muscular dystrophy (PMID: 18948003, 23975875, 24395473), but have not been definitively shown to cause cardiomyopathy (PMID: 25589632).

Literature cited by the submitters: PubMed 33449170; PubMed 25589632; PubMed 18948003; PubMed 23975875; PubMed 24395473.